The following is an entry in ClinVar:

NM_000238.4(KCNH2):c.2351G>A (p.Arg784Gln)

Gene: KCNH2 (potassium voltage-gated channel subfamily H member 2; minus strand). Cytogenetic location: 7q36.1.
Variant type: single nucleotide variant.
Coding change: c.2351G>A on transcript NM_000238.4 (MANE Select); coding-DNA position 2351, G replaced by A.
Protein change: p.Arg784Gln; replaces arginine 784 with glutamine.
Molecular consequence: missense variant.
Genome position (GRCh38, 1-based): chr7:150,950,215, C>T on the plus strand (G>A on the coding strand, the complement: KCNH2 is on the minus strand). VCF-style: chr7-150950215-C-T. GRCh37 (hg19) VCF-style: chr7-150647303-C-T.
Other names: c.1331G>A, p.Arg444Gln (NM_001204798.2, NM_172057.3); c.2063G>A, p.Arg688Gln (NM_001406753.1, NM_001406756.1); c.2174G>A, p.Arg725Gln (NM_001406755.1); c.2051G>A, p.Arg684Gln (NM_001406757.1); c.2351G>A, p.Arg784Gln (NM_172056.3); c.2351G>A (NM_000238.2); short protein forms R688Q, R444Q, R684Q, R784Q, R725Q.
Identifiers: ClinVar variation 1790021 (VCV001790021.9), dbSNP rs149588350, ClinGen allele CA031701.

ClinVar aggregate classification (germline): Conflicting classifications of pathogenicity. Review status: criteria provided, conflicting classifications (1 of 4 stars). 4 submissions from 4 submitters: Uncertain significance (3); Likely benign (1). Last evaluated 2026-04-08.

Conditions:
Long QT syndrome (LQTS). Identifiers: MedGen C0023976, MeSH D008133, MONDO:0002442. Disease mechanism: loss of function. Inheritance: Various modes of inheritance.
Cardiovascular phenotype. Identifiers: MedGen CN230736.

Allele frequency attached by ClinVar (database versions not stated): TOPMed 0.00002; ExAC 0.00004; gnomAD 0.00005; ESP Exome Variant Server 0.00015.
gnomAD v4.1: 54 of 1,600,508 alleles (0.0034%); highest among the groups gnomAD compares: Non-Finnish European, 0.00077%; no homozygotes.

Submissions (4):

GeneDx
Classification: Uncertain significance. Last evaluated: 2026-04-08. Review status: criteria provided, single submitter. Criteria: GeneDx Variant Classification Process June 2021. Collection method: clinical testing. Allele origin: germline.
Comment: Identified in a patient with epilepsy in published literature (PMID: 31696929); In silico analysis supports that this missense variant has a deleterious effect on protein structure/function; In silico analysis suggests this variant may impact gene splicing. In the absence of RNA/functional studies, the actual effect of this sequence change is unknown.; This variant is associated with the following publications: (PMID: 31696929)

All of Us Research Program, National Institutes of Health
Classification: Uncertain significance for Long QT syndrome. Last evaluated: 2024-05-30. Review status: criteria provided, single submitter. Criteria: ACMG Guidelines, 2015. Collection method: clinical testing. Allele origin: germline. Inheritance: Autosomal dominant inheritance. Observed: 2 variant alleles, 2 heterozygotes.
Comment: This missense variant replaces arginine with glutamine at codon 784 of the KCNH2 protein. Computational prediction suggests that this variant may have deleterious impact on protein structure and function (internally defined REVEL score threshold >= 0.7, PMID: 27666373). To our knowledge, functional studies have not been reported for this variant. This variant has been reported in an individual suspected of having epilepsy (PMID: 31696929). This variant has been identified in 15/251056 chromosomes in the general population by the Genome Aggregation Database (gnomAD). The available evidence is insufficient to determine the role of this variant in disease conclusively. Therefore, this variant is classified as a Variant of Uncertain Significance.

This study involves interpretation of variants in research participants for the purpose of population health screening. Participant phenotype was not available at the time of variant classification. Additional details can be found in publication PMID: 35346344, PMCID: PMC8962531

Labcorp Genetics (formerly Invitae), Labcorp
Classification: Likely benign for Long QT syndrome. Last evaluated: 2023-05-19. Review status: criteria provided, single submitter. Criteria: Invitae Variant Classification Sherloc (09022015). Collection method: clinical testing. Allele origin: germline.

Ambry Genetics
Classification: Uncertain significance for Cardiovascular phenotype. Last evaluated: 2020-01-22. Review status: criteria provided, single submitter. Criteria: Ambry Variant Classification Scheme 2023. Collection method: clinical testing. Allele origin: germline.
Comment: The p.R784Q variant (also known as c.2351G>A), located in coding exon 9 of the KCNH2 gene, results from a G to A substitution at nucleotide position 2351. The arginine at codon 784 is replaced by glutamine, an amino acid with highly similar properties, and is located in the cytoplasmic cyclic nucleotide binding domain. This amino acid position is highly conserved in available vertebrate species. In addition, this alteration is predicted to be deleterious by in silico analysis. Since supporting evidence is limited at this time, the clinical significance of this alteration remains unclear.

Literature cited by the submitters: PubMed 31696929 (cited by All of Us Research Program, National Institutes of Health).